The following is an entry in ClinVar:

NM_021101.5(CLDN1):c.563G>A (p.Arg188Gln)

Genes: CLDN1 (claudin 1; minus strand), CLDN16 (claudin 16; plus strand). Cytogenetic location: 3q28.
Variant type: single nucleotide variant.
Coding change: c.563G>A on transcript NM_021101.5 (MANE Select); coding-DNA position 563, G replaced by A.
Protein change: p.Arg188Gln; replaces arginine 188 with glutamine.
Molecular consequence: missense variant.
Genome position (GRCh38, 1-based): chr3:190,308,350, C>T on the plus strand (G>A on the coding strand, the complement: CLDN1 is on the minus strand). VCF-style: chr3-190308350-C-T. GRCh37 (hg19) VCF-style: chr3-190026139-C-T.
Other names: p.Arg188Gln; c.563G>A (NM_021101.4); short protein forms R188Q.
Identifiers: ClinVar variation 499338 (VCV000499338.9), dbSNP rs145299880, ClinGen allele CA2753494.

ClinVar aggregate classification (germline): Uncertain significance. Review status: criteria provided, multiple submitters, no conflicts (2 of 4 stars). 4 submissions from 4 submitters: Uncertain significance (4). Last evaluated 2026-03-31.

Conditions:
CLDN1-related disorder. Also called: CLDN1-related condition.
Inborn genetic diseases. Identifiers: MedGen C0950123, MeSH D030342.

Allele frequency attached by ClinVar (database versions not stated): gnomAD exomes 0.00004 and 0.00006; ExAC 0.00006; gnomAD 0.00006 and 0.00007; TOPMed 0.00007; ESP Exome Variant Server 0.00015.
gnomAD v4.1: 95 of 1,613,596 alleles (0.0059%); highest among the groups gnomAD compares: African/African-American, 0.012%; no homozygotes.

Submissions (4):

PreventionGenetics, part of Exact Sciences
Classification: Uncertain significance for CLDN1-related condition. Last evaluated: 2026-03-31. Review status: criteria provided, single submitter. Criteria: ACMG Guidelines, 2015. Collection method: clinical testing. Allele origin: germline.
Comment: The CLDN1 c.563G>A variant is predicted to result in the amino acid substitution p.Arg188Gln. To our knowledge, this variant has not been reported in the literature. This variant is reported in 0.016% of alleles in individuals of African descent in gnomAD. At this time, the clinical significance of this variant is uncertain due to the absence of conclusive functional and genetic evidence.

Mayo Clinic Laboratories, Mayo Clinic
Classification: Uncertain significance. Last evaluated: 2025-11-09. Review status: criteria provided, single submitter. Criteria: ACMG Guidelines, 2015. Collection method: clinical testing. Allele origin: germline. Observed: 1 variant allele.
Comment: BP4_moderate

Ambry Genetics
Classification: Uncertain significance for Inborn genetic diseases. Last evaluated: 2022-11-10. Review status: criteria provided, single submitter. Criteria: Ambry Variant Classification Scheme 2023. Collection method: clinical testing. Allele origin: germline.

Eurofins Ntd Llc (ga)
Classification: Uncertain significance. Last evaluated: 2016-12-20. Review status: criteria provided, single submitter. Criteria: EGL Classification Definitions 2015. Collection method: clinical testing. Allele origin: germline. Observed: 1 variant allele, 1 heterozygote.